The following is an entry in ClinVar:

NM_001035.3(RYR2):c.463+1G>T

Gene: RYR2 (ryanodine receptor 2; plus strand). Cytogenetic location: 1q43.
Variant type: single nucleotide variant.
Coding change: c.463+1G>T on transcript NM_001035.3 (MANE Select); the canonical splice donor site of the intron after coding-DNA position 463, G replaced by T.
Molecular consequence: splice donor variant.
Genome position (GRCh38, 1-based): chr1:237,374,796, G>T. VCF-style: chr1-237374796-G-T. GRCh37 (hg19) VCF-style: chr1-237538096-G-T.
Identifiers: ClinVar variation 4733130 (VCV004733130.1).
Genomic context (GRCh38, chr1:237,374,796, plus strand): 5'-CCTCCCGGTCTTCAACTGATAAGCTGGCTTTTGATGTTGGCTTGCAAGAGGACACCACAG[G>T]TAAGCATCTTGTGCTGCGGGAAGCCAGGTTCAGAGAGAACCCTGCAGGGGTTGGATTGGA-3'

ClinVar aggregate classification (germline): Uncertain significance (1 of 4 stars; one submission).

Conditions:
Catecholaminergic polymorphic ventricular tachycardia 1. Also called: VENTRICULAR TACHYCARDIA, CATECHOLAMINERGIC POLYMORPHIC, 1, WITH OR WITHOUT ATRIAL DYSFUNCTION AND/OR DILATED CARDIOMYOPATHY; RYR2-Related Catecholaminergic Polymorphic Ventricular Tachycardia; VENTRICULAR TACHYCARDIA, STRESS-INDUCED POLYMORPHIC 1. Identifiers: Orphanet 3286, MedGen C1631597, MONDO:0011484, OMIM 604772.

Submission:

Labcorp Genetics (formerly Invitae), Labcorp
Classification: Uncertain significance for Catecholaminergic polymorphic ventricular tachycardia 1. Last evaluated: 2025-12-13. Review status: criteria provided, single submitter. Criteria: Invitae Variant Classification Sherloc (09022015). Collection method: clinical testing. Allele origin: germline.
Comment: This sequence change affects a donor splice site in intron 7 of the RYR2 gene. It is expected to disrupt RNA splicing. Variants that disrupt the donor or acceptor splice site typically lead to a loss of protein function (PMID: 16199547), however the current clinical and genetic evidence is not sufficient to establish whether loss-of-function variants in RYR2 cause disease. This variant is not present in population databases (gnomAD no frequency). This variant has not been reported in the literature in individuals affected with RYR2-related conditions. Algorithms developed to predict the effect of sequence changes on RNA splicing suggest that this variant may disrupt the consensus splice site. In summary, the available evidence is currently insufficient to determine the role of this variant in disease. Therefore, it has been classified as a Variant of Uncertain Significance.

Literature cited by the submitters: PubMed 16199547.